The following is an entry in ClinVar:

ClinVar aggregate classification (germline): Likely benign. Review status: criteria provided, multiple submitters, no conflicts (2 of 4 stars). 2 submissions from 2 submitters: Likely benign (2). Last evaluated 2025-09-16.

Conditions:
ANO3-related disorder. Also called: ANO3-related condition.
Dystonic disorder. Also called: Dystonia. Identifiers: MedGen C0013421, MONDO:0003441, HP:0001332.

Allele frequency attached by ClinVar (database versions not stated): gnomAD exomes 0.00004 and 0.00016; ExAC 0.00021; TOPMed 0.00076; ESP Exome Variant Server 0.00077; gnomAD 0.00077 and 0.00078; 1000 Genomes Project 30x 0.00078; 1000 Genomes Project 0.00080.
gnomAD v4.1: 192 of 1,613,566 alleles (0.012%); highest among the groups gnomAD compares: African/African-American, 0.22%; 1 homozygote.

Submissions (2):

Labcorp Genetics (formerly Invitae), Labcorp
Classification: Likely benign for Dystonic disorder. Last evaluated: 2025-09-16. Review status: criteria provided, single submitter. Criteria: Invitae Variant Classification Sherloc (09022015). Collection method: clinical testing. Allele origin: germline.

PreventionGenetics, part of Exact Sciences
Classification: Likely benign for ANO3-related condition. Last evaluated: 2025-06-17. Review status: criteria provided, single submitter. Criteria: ACMG Guidelines, 2015. Collection method: clinical testing. Allele origin: germline.
Comment: This variant is classified as likely benign based on ACMG/AMP sequence variant interpretation guidelines (Richards et al. 2015 PMID: 25741868, with internal and published modifications).

NM_031418.4(ANO3):c.2604C>T (p.Ser868=)

Gene: ANO3 (anoctamin 3; plus strand). Cytogenetic location: 11p14.2.
Variant type: single nucleotide variant.
Coding change: c.2604C>T on transcript NM_031418.4 (MANE Select); coding-DNA position 2604, C replaced by T.
Protein change: p.Ser868=; no amino-acid change (serine 868 retained).
Molecular consequence: synonymous variant.
Genome position (GRCh38, 1-based): chr11:26,656,152, C>T. VCF-style: chr11-26656152-C-T. GRCh37 (hg19) VCF-style: chr11-26677699-C-T.
Other names: c.2787C>T, p.Ser929= (NM_001313726.2); c.2166C>T, p.Ser722= (NM_001313727.2); c.2604C>T (NM_031418.3).
Identifiers: ClinVar variation 697016 (VCV000697016.9), dbSNP rs146105060, ClinGen allele CA5926563.